The following is an entry in ClinVar:

ClinVar aggregate classification (germline): Uncertain significance. Review status: criteria provided, multiple submitters, no conflicts (2 of 4 stars). 2 submissions from 2 submitters: Uncertain significance (2). Last evaluated 2022-07-18.

Conditions:
Inborn genetic diseases. Identifiers: MedGen C0950123, MeSH D030342.

Allele frequency attached by ClinVar (database versions not stated): ExAC 0.00005; gnomAD 0.00005; TOPMed 0.00008; gnomAD exomes 0.00012; ESP Exome Variant Server 0.00038.
gnomAD v4.1: 197 of 1,614,058 alleles (0.012%); highest among the groups gnomAD compares: Admixed American, 0.018%; no homozygotes.

Submissions (2):

Labcorp Genetics (formerly Invitae), Labcorp
Classification: Uncertain significance. Last evaluated: 2022-07-18. Review status: criteria provided, single submitter. Criteria: Invitae Variant Classification Sherloc (09022015). Collection method: clinical testing. Allele origin: germline.
Comment: This sequence change replaces asparagine, which is neutral and polar, with serine, which is neutral and polar, at codon 865 of the AASS protein (p.Asn865Ser). This variant is present in population databases (rs138726205, gnomAD 0.03%). This variant has not been reported in the literature in individuals affected with AASS-related conditions. Algorithms developed to predict the effect of missense changes on protein structure and function output the following: SIFT: "Tolerated"; PolyPhen-2: "Benign"; Align-GVGD: "Class C0". The serine amino acid residue is found in multiple mammalian species, which suggests that this missense change does not adversely affect protein function. In summary, the available evidence is currently insufficient to determine the role of this variant in disease. Therefore, it has been classified as a Variant of Uncertain Significance.

Ambry Genetics
Classification: Uncertain significance for Inborn genetic diseases. Last evaluated: 2021-04-17. Review status: criteria provided, single submitter. Criteria: Ambry Variant Classification Scheme 2023. Collection method: clinical testing. Allele origin: germline.

NM_005763.4(AASS):c.2594A>G (p.Asn865Ser)

Gene: AASS (aminoadipate-semialdehyde synthase; minus strand). Cytogenetic location: 7q31.32.
Variant type: single nucleotide variant.
Coding change: c.2594A>G on transcript NM_005763.4 (MANE Select); coding-DNA position 2594, A replaced by G.
Protein change: p.Asn865Ser; replaces asparagine 865 with serine.
Molecular consequence: missense variant.
Genome position (GRCh38, 1-based): chr7:122,077,906, T>C on the plus strand (A>G on the coding strand, the complement: AASS is on the minus strand). VCF-style: chr7-122077906-T-C. GRCh37 (hg19) VCF-style: chr7-121717960-T-C.
Other names: c.2594A>G (NM_005763.3); short protein forms N865S.
Identifiers: ClinVar variation 2017731 (VCV002017731.4), dbSNP rs138726205, ClinGen allele CA4457982.